The following is an entry in ClinVar:

NC_000016.9:g.(?_53729213)_(53730217_?)dup

Gene: RPGRIP1L (RPGRIP1 like; minus strand). Cytogenetic location: 16q12.2.
Variant type: Duplication.
Identifiers: ClinVar variation 1066452 (VCV001066452.6).

ClinVar aggregate classification (germline): Likely pathogenic (1 of 4 stars; one submission).

Conditions:
Joubert syndrome. Also called: Familial aplasia of the vermis; CEREBELLOPARENCHYMAL DISORDER IV; JOUBERT-BOLTSHAUSER SYNDROME. Identifiers: Orphanet 475, MedGen C5979921, MONDO:0018772.
Meckel-Gruber syndrome. Also called: Dysencephalia splachnocystica; DYSENCEPHALIA SPLANCHNOCYSTICA; GRUBER SYNDROME. Identifiers: Orphanet 564, MedGen C0265215, MONDO:0018921.

Submission:

Labcorp Genetics (formerly Invitae), Labcorp
Classification: Likely pathogenic for Joubert syndrome; Meckel-Gruber syndrome. Last evaluated: 2021-10-29. Review status: criteria provided, single submitter. Criteria: Invitae Variant Classification Sherloc (09022015). Collection method: clinical testing. Allele origin: germline.
Comment: This variant results in a copy number gain of the genomic region encompassing exon(s) 3 of the RPGRIP1L gene. While the exact position of this variant cannot be determined from the data, sub-genic copy number gains are generally in tandem (PMID: 25640679). This variant is predicted to be out-of-frame, and may result in an absent or disrupted protein product. Loss-of-function variants in RPGRIP1L are known to be pathogenic (PMID: 17558409). This variant has not been reported in the literature in individuals affected with RPGRIP1L-related conditions. In summary, the currently available evidence indicates that the variant is pathogenic, but additional data are needed to prove that conclusively. Therefore, this variant has been classified as Likely Pathogenic.

Literature cited by the submitters: PubMed 25640679; PubMed 17558409.